The following is an entry in ClinVar:

ClinVar aggregate classification (germline): Uncertain significance. Review status: criteria provided, multiple submitters, no conflicts (2 of 4 stars). 5 submissions from 5 submitters: Uncertain significance (4). 1 of the submissions does not count toward it. Last evaluated 2026-05-29.

Conditions:
TJP2-related disorder. Also called: TJP2-related condition.
Inborn genetic diseases. Identifiers: MedGen C0950123, MeSH D030342.

Allele frequency attached by ClinVar (database versions not stated): gnomAD exomes 0.00011 and 0.00006; TOPMed 0.00007; ExAC 0.00016; 1000 Genomes Project 30x 0.00016; 1000 Genomes Project 0.00020.

Submissions (5):

GeneDx
Classification: Uncertain significance. Last evaluated: 2026-05-29. Review status: criteria provided, single submitter. Criteria: GeneDx Variant Classification Process June 2021. Collection method: clinical testing. Allele origin: germline.
Comment: In silico analysis suggests that this missense variant does not alter protein structure/function; Has not been previously published as pathogenic or benign to our knowledge

Ambry Genetics
Classification: Uncertain significance for Inborn genetic diseases. Last evaluated: 2025-09-26. Review status: criteria provided, single submitter. Criteria: Ambry Variant Classification Scheme 2023. Collection method: clinical testing. Allele origin: germline.

Labcorp Genetics (formerly Invitae), Labcorp
Classification: Uncertain significance. Last evaluated: 2025-09-10. Review status: criteria provided, single submitter. Criteria: Invitae Variant Classification Sherloc (09022015). Collection method: clinical testing. Allele origin: germline.
Comment: This sequence change replaces arginine, which is basic and polar, with tryptophan, which is neutral and slightly polar, at codon 193 of the TJP2 protein (p.Arg193Trp). This variant is present in population databases (rs200390074, gnomAD 0.02%). This variant has not been reported in the literature in individuals affected with TJP2-related conditions. ClinVar contains an entry for this variant (Variation ID: 197768). An algorithm developed to predict the effect of missense changes on protein structure and function (PolyPhen-2) suggests that this variant is likely to be disruptive. In summary, the available evidence is currently insufficient to determine the role of this variant in disease. Therefore, it has been classified as a Variant of Uncertain Significance.

Eurofins Ntd Llc (ga)
Classification: Uncertain significance. Last evaluated: 2017-04-20. Review status: criteria provided, single submitter. Criteria: EGL Classification Definitions 2015. Collection method: clinical testing. Allele origin: germline. Observed: 2 variant alleles, 2 heterozygotes.

PreventionGenetics, part of Exact Sciences
Classification: Uncertain significance for TJP2-related condition. Last evaluated: 2024-09-12. Review status: no assertion criteria provided. Collection method: clinical testing. Allele origin: germline. Not counted in ClinVar's aggregate classification.
Comment: The TJP2 c.577C>T variant is predicted to result in the amino acid substitution p.Arg193Trp. To our knowledge, this variant has not been reported in the literature. This variant is reported in 0.023% of alleles in individuals of South Asian descent in gnomAD. At this time, the clinical significance of this variant is uncertain due to the absence of conclusive functional and genetic evidence.

NM_004817.4(TJP2):c.577C>T (p.Arg193Trp)

Gene: TJP2 (tight junction protein 2; plus strand). Cytogenetic location: 9q21.11.
Variant type: single nucleotide variant.
Coding change: c.577C>T on transcript NM_004817.4 (MANE Select); coding-DNA position 577, C replaced by T.
Protein change: p.Arg193Trp; replaces arginine 193 with tryptophan.
Molecular consequence: missense variant.
Genome position (GRCh38, 1-based): chr9:69,221,121, C>T. VCF-style: chr9-69221121-C-T. GRCh37 (hg19) VCF-style: chr9-71836037-C-T.
Other names: c.508C>T, p.Arg170Trp (NM_001170414.2, NM_001369870.1, NM_001369871.1); c.589C>T, p.Arg197Trp (NM_001170415.1, NM_001369874.1, NM_001369875.1); c.670C>T, p.Arg224Trp (NM_001170416.2); c.577C>T, p.Arg193Trp (NM_001369872.1, NM_001369873.1, NM_201629.3 and 1 more transcripts); c.577C>T (NM_004817.3); short protein forms R193W, R224W, R197W, R170W.
Identifiers: ClinVar variation 197768 (VCV000197768.11), dbSNP rs200390074, ClinGen allele CA246091.